The following is an entry in ClinVar:

ClinVar aggregate classification (germline): Uncertain significance. Review status: criteria provided, multiple submitters, no conflicts (2 of 4 stars). 2 submissions from 2 submitters: Uncertain significance (2). Last evaluated 2025-11-06.

Conditions:
Severe early-onset pulmonary alveolar proteinosis due to MARS deficiency. Also called: PULMONARY ALVEOLAR PROTEINOSIS, REUNION ISLAND; Interstitial lung and liver disease. Identifiers: Orphanet 440427, MedGen C4225400, MONDO:0014206, OMIM 615486.
Charcot-Marie-Tooth disease axonal type 2U. Also called: CHARCOT-MARIE-TOOTH NEUROPATHY, TYPE 2U; CHARCOT-MARIE-TOOTH DISEASE, AXONAL, AUTOSOMAL DOMINANT, TYPE 2U. Identifiers: Orphanet 397735, MedGen C4084821, MONDO:0014566, OMIM 616280.

Allele frequency attached by ClinVar (database versions not stated): gnomAD exomes 0.00001; ExAC 0.00002.
gnomAD v4.1: 4 of 1,613,974 alleles (0.00025%); highest among the groups gnomAD compares: African/African-American, 0.0053%; no homozygotes.

Submissions (2):

Ambry Genetics
Classification: Uncertain significance. Last evaluated: 2025-11-06. Review status: criteria provided, single submitter. Criteria: Ambry Variant Classification Scheme 2023. Collection method: clinical testing. Allele origin: germline.

Labcorp Genetics (formerly Invitae), Labcorp
Classification: Uncertain significance for Charcot-Marie-Tooth disease axonal type 2U; Severe early-onset pulmonary alveolar proteinosis due to MARS deficiency. Last evaluated: 2024-05-04. Review status: criteria provided, single submitter. Criteria: Invitae Variant Classification Sherloc (09022015). Collection method: clinical testing. Allele origin: germline.
Comment: This sequence change replaces aspartic acid, which is acidic and polar, with valine, which is neutral and non-polar, at codon 591 of the MARS protein (p.Asp591Val). This variant is present in population databases (rs775880924, gnomAD 0.01%). This variant has not been reported in the literature in individuals affected with MARS-related conditions. ClinVar contains an entry for this variant (Variation ID: 1681756). An algorithm developed to predict the effect of missense changes on protein structure and function (PolyPhen-2) suggests that this variant is likely to be disruptive. In summary, the available evidence is currently insufficient to determine the role of this variant in disease. Therefore, it has been classified as a Variant of Uncertain Significance.

NM_004990.4(MARS1):c.1772A>T (p.Asp591Val)

Gene: MARS1 (methionyl-tRNA synthetase 1; plus strand). Cytogenetic location: 12q13.3.
Variant type: single nucleotide variant.
Coding change: c.1772A>T on transcript NM_004990.4 (MANE Select); coding-DNA position 1772, A replaced by T.
Protein change: p.Asp591Val; replaces aspartic acid 591 with valine.
Molecular consequence: missense variant.
Genome position (GRCh38, 1-based): chr12:57,512,769, A>T. VCF-style: chr12-57512769-A-T. GRCh37 (hg19) VCF-style: chr12-57906552-A-T.
Other names: c.1772A>T (NM_004990.3); short protein forms D591V.
Identifiers: ClinVar variation 1681756 (VCV001681756.9), dbSNP rs775880924, ClinGen allele CA6650619.